The following is an entry in ClinVar:

GRCh38/hg38 Xp21.1(chrX:31744885-31846776)x1

Genes: DMD (dystrophin; minus strand), LOC129391296 (MPRA-validated peak7373 silencer; plus strand). Cytogenetic location: Xp21.1.
Variant type: copy number loss.
Change: copy number 1 of chrX:31,744,885-31,846,776 (101.9 kb, GRCh38 coordinates, 1-based), cytogenetic band Xp21.1.
Identifiers: ClinVar variation 148205 (VCV000148205.3).

ClinVar aggregate classification (germline): Likely benign (0 of 4 stars; one submission).

Submission:

ISCA site 1
Classification: Likely benign. Last evaluated: 2018-02-09. Review status: no assertion criteria provided. Collection method: clinical testing. Allele origin: unknown. Affected: yes. Observed: 1 variant allele.
Comment: Copy number variation identified through the course of routine clinical cytogenomic testing in postnatal populations, with clinical assertions as classified by the original submitter. For data from the original published study, Kaminsky, et al. 2011 (PubMed 21844811), please see nstd101.